The following is an entry in ClinVar:

NM_001308093.3(GATA4):c.942G>T (p.Glu314Asp)

Gene: GATA4 (GATA binding protein 4). Cytogenetic location: 8p23.1.
Variant type: single nucleotide variant.
Coding change: c.942G>T on transcript NM_001308093.3 (MANE Select); coding-DNA position 942, G replaced by T.
Protein change: p.Glu314Asp; replaces glutamic acid 314 with aspartic acid.
Molecular consequence: missense variant.
Genome position (GRCh38, 1-based): chr8:11,755,075, G>T. VCF-style: chr8-11755075-G-T. GRCh37 (hg19) VCF-style: chr8-11612584-G-T.
Other names: p.Glu313Asp; c.321G>T, p.Glu107Asp (NM_001308094.2, NM_001374273.1); c.195G>T, p.Glu65Asp (NM_001374274.1); c.939G>T, p.Glu313Asp (NM_002052.5); short protein forms E313D, E314D, E107D, E65D.
Identifiers: ClinVar variation 472784 (VCV000472784.20), dbSNP rs372407808, ClinGen allele CA4630762.

ClinVar aggregate classification (germline): Conflicting classifications of pathogenicity. Review status: criteria provided, conflicting classifications (1 of 4 stars). 6 submissions from 6 submitters: Uncertain significance (5); Likely benign (1). Last evaluated 2025-11-09.

Conditions:
GATA4-related disorder. Also called: GATA4-related condition. Identifiers: MedGen CN860321.
Atrioventricular septal defect 4 (AVSD4). Identifiers: MedGen C3280781, MONDO:0013747, OMIM 614430.
Ventricular septal defect 1 (VSD1). Identifiers: MedGen C3280777, MONDO:0013746, OMIM 614429.
Testicular anomalies with or without congenital heart disease (TACHD). Identifiers: Orphanet 251510, MedGen C3809858, MONDO:0014239, OMIM 615542.
Tetralogy of Fallot (TOF). Identifiers: Orphanet 3303, MedGen C0039685, MONDO:0008542, OMIM 187500, HP:0001636.
Atrial septal defect 2 (ASD2). Identifiers: Orphanet 1478, MedGen C1842778, MONDO:0011938, OMIM 607941.

Allele frequency attached by ClinVar (database versions not stated): TOPMed 0.00008; gnomAD 0.00009; ESP Exome Variant Server 0.00015; gnomAD exomes 0.00020.
gnomAD v4.1: 297 of 1,614,000 alleles (0.018%); highest among the groups gnomAD compares: Non-Finnish European, 0.025%; no homozygotes.

Submissions (6):

Labcorp Genetics (formerly Invitae), Labcorp
Classification: Uncertain significance for Atrioventricular septal defect 4. Last evaluated: 2025-11-09. Review status: criteria provided, single submitter. Criteria: Invitae Variant Classification Sherloc (09022015). Collection method: clinical testing. Allele origin: germline.
Comment: This sequence change replaces glutamic acid, which is acidic and polar, with aspartic acid, which is acidic and polar, at codon 313 of the GATA4 protein (p.Glu313Asp). This variant is present in population databases (rs372407808, gnomAD 0.02%). This variant has not been reported in the literature in individuals affected with GATA4-related conditions. ClinVar contains an entry for this variant (Variation ID: 472784). Invitae Evidence Modeling of protein sequence and biophysical properties (such as structural, functional, and spatial information, amino acid conservation, physicochemical variation, residue mobility, and thermodynamic stability) indicates that this missense variant is not expected to disrupt GATA4 protein function with a negative predictive value of 95%. In summary, the available evidence is currently insufficient to determine the role of this variant in disease. Therefore, it has been classified as a Variant of Uncertain Significance.

GeneDx
Classification: Uncertain significance. Last evaluated: 2025-05-13. Review status: criteria provided, single submitter. Criteria: GeneDx Variant Classification Process June 2021. Collection method: clinical testing. Allele origin: germline. Affected: yes.
Comment: Identified in a patient with bicuspid aortic valve (BAV) in published literature (PMID: 32748548); In silico analysis supports that this missense variant has a deleterious effect on protein structure/function; Also known as p.(Glu314Asp); This variant is associated with the following publications: (PMID: 27374936, 32748548)

Mayo Clinic Laboratories, Mayo Clinic
Classification: Uncertain significance. Last evaluated: 2025-03-12. Review status: criteria provided, single submitter. Criteria: ACMG Guidelines, 2015. Collection method: clinical testing. Allele origin: germline. Observed: 1 variant allele.

Blueprint Genetics
Classification: Likely benign. Last evaluated: 2024-06-04. Review status: criteria provided, single submitter. Criteria: ACMG Guidelines, 2015. Collection method: clinical testing. Allele origin: germline.

PreventionGenetics, part of Exact Sciences
Classification: Uncertain significance for GATA4-related condition. Last evaluated: 2022-11-06. Review status: criteria provided, single submitter. Criteria: ACMG Guidelines, 2015. Collection method: clinical testing. Allele origin: germline.
Comment: The GATA4 c.939G>T variant is predicted to result in the amino acid substitution p.Glu313Asp. This variant has been reported in a cohort study of adults with bicuspid aortic valve (reported as p.Glu314Asp in Musfee et al. 2020. PubMed ID: 32748548). This variant is reported in 0.020% of alleles in individuals of European (Non-Finnish) descent in gnomAD, which may be too common to be a primary cause of disease. Although we suspect that this variant may be benign, at this time, the clinical significance of this variant is uncertain due to the absence of conclusive functional and genetic evidence.

Fulgent Genetics
Classification: Uncertain significance for Tetralogy of Fallot; Atrial septal defect 2; Ventricular septal defect 1; Atrioventricular septal defect 4; Testicular anomalies with or without congenital heart disease. Last evaluated: 2021-07-21. Review status: criteria provided, single submitter. Criteria: ACMG Guidelines, 2015. Collection method: clinical testing. Allele origin: unknown.

Literature cited by the submitters: PubMed 32748548 (cited by Mayo Clinic Laboratories, Mayo Clinic).